The following is an entry in ClinVar:

ClinVar aggregate classification (germline): Likely pathogenic (1 of 4 stars; one submission).

Conditions:
Holoprosencephaly 9 (HPE9). Also called: PITUITARY ANOMALIES WITH HOLOPROSENCEPHALY-LIKE FEATURES; HOLOPROSENCEPHALY WITH MICROPHTHALMIA AND FIRST BRANCHIAL ARCH ANOMALIES. Identifiers: Orphanet 2162, MedGen C1835819, MONDO:0012563, OMIM 610829.
Postaxial polydactyly-anterior pituitary anomalies-facial dysmorphism syndrome. Also called: Culler-Jones syndrome. Identifiers: Orphanet 420584, MedGen C4014479, MONDO:0014369, OMIM 615849.

Submission:

Juno Genomics, Hangzhou Juno Genomics, Inc
Classification: Likely pathogenic for Postaxial polydactyly-anterior pituitary anomalies-facial dysmorphism syndrome; Holoprosencephaly 9. Review status: criteria provided, single submitter. Criteria: ACMG Guidelines, 2015. Collection method: clinical testing. Allele origin: germline.
Comment: Absent from controls (or at extremely low frequency if recessive) in Genome Aggregation Database.;Null variant in a gene where loss of function (LOF) is a known mechanism of disease.

NM_001374353.1(GLI2):c.1452del (p.Lys484fs)

Gene: GLI2 (GLI family zinc finger 2; plus strand). Cytogenetic location: 2q14.2.
Variant type: Deletion.
Coding change: c.1452del on transcript NM_001374353.1 (MANE Select); coding-DNA position 1452, one base deleted (G; older notation c.1452delG).
Protein change: p.Lys484fs; shifts the reading frame from lysine 484.
Molecular consequence: frameshift variant.
Genome position (GRCh38, 1-based): chr2:120,978,568, G deleted. VCF-style (leftmost placement, unchanged base first): chr2-120978567-AG-A. GRCh37 (hg19) VCF-style: chr2-121736143-AG-A.
Other names: c.1503del, p.Lys501fs (NM_001371271.1, NM_005270.5); c.1077del, p.Lys359fs (NM_001374354.1); short protein forms K359fs, K484fs, K501fs.
Identifiers: ClinVar variation 4796615 (VCV004796615.2).